The following is an entry in ClinVar:

ClinVar aggregate classification (germline): Uncertain significance. Review status: criteria provided, multiple submitters, no conflicts (2 of 4 stars). 3 submissions from 3 submitters: Uncertain significance (3). Last evaluated 2022-10-24.

Conditions:
Inborn genetic diseases. Identifiers: MedGen C0950123, MeSH D030342.

Allele frequency attached by ClinVar (database versions not stated): TOPMed 0.00001.
gnomAD v4.1: 11 of 1,613,002 alleles (0.00068%); highest among the groups gnomAD compares: African/African-American, 0.0067%; no homozygotes.

Submissions (3):

Labcorp Genetics (formerly Invitae), Labcorp
Classification: Uncertain significance. Last evaluated: 2022-10-24. Review status: criteria provided, single submitter. Criteria: Invitae Variant Classification Sherloc (09022015). Collection method: clinical testing. Allele origin: germline.
Comment: This variant has not been reported in the literature in individuals affected with NBAS-related conditions. This variant is not present in population databases (gnomAD no frequency). This sequence change replaces alanine, which is neutral and non-polar, with serine, which is neutral and polar, at codon 48 of the NBAS protein (p.Ala48Ser). Advanced modeling of protein sequence and biophysical properties (such as structural, functional, and spatial information, amino acid conservation, physicochemical variation, residue mobility, and thermodynamic stability) performed at Invitae indicates that this missense variant is not expected to disrupt NBAS protein function. In summary, the available evidence is currently insufficient to determine the role of this variant in disease. Therefore, it has been classified as a Variant of Uncertain Significance.

Blueprint Genetics
Classification: Uncertain significance. Last evaluated: 2022-04-12. Review status: criteria provided, single submitter. Criteria: ACMG Guidelines, 2015. Collection method: clinical testing. Allele origin: germline.

Ambry Genetics
Classification: Uncertain significance for Inborn genetic diseases. Last evaluated: 2021-07-21. Review status: criteria provided, single submitter. Criteria: Ambry Variant Classification Scheme 2023. Collection method: clinical testing. Allele origin: germline.

NM_015909.4(NBAS):c.142G>T (p.Ala48Ser)

Gene: NBAS (NBAS subunit of NRZ tethering complex; minus strand). Cytogenetic location: 2p24.3.
Variant type: single nucleotide variant.
Coding change: c.142G>T on transcript NM_015909.4 (MANE Select); coding-DNA position 142, G replaced by T.
Protein change: p.Ala48Ser; replaces alanine 48 with serine.
Molecular consequence: missense variant. On other transcripts: non-coding transcript variant (1).
Genome position (GRCh38, 1-based): chr2:15,558,610, C>A on the plus strand (G>T on the coding strand, the complement: NBAS is on the minus strand). VCF-style: chr2-15558610-C-A. GRCh37 (hg19) VCF-style: chr2-15698734-C-A.
Other names: short protein forms A48S.
Identifiers: ClinVar variation 1920384 (VCV001920384.5), dbSNP rs200857890, ClinGen allele CA345894615.